The following is an entry in ClinVar:

NM_005431.2(XRCC2):c.569T>A (p.Val190Asp)

Gene: XRCC2 (X-ray repair cross complementing 2; minus strand). Cytogenetic location: 7q36.1.
Variant type: single nucleotide variant.
Coding change: c.569T>A on transcript NM_005431.2 (MANE Select); coding-DNA position 569, T replaced by A.
Protein change: p.Val190Asp; replaces valine 190 with aspartic acid.
Molecular consequence: missense variant.
Genome position (GRCh38, 1-based): chr7:152,648,916, A>T on the plus strand (T>A on the coding strand, the complement: XRCC2 is on the minus strand). VCF-style: chr7-152648916-A-T. GRCh37 (hg19) VCF-style: chr7-152346001-A-T.
Other names: short protein forms V190D.
Identifiers: ClinVar variation 1749136 (VCV001749136.3), dbSNP rs2098027277, ClinGen allele CA370198409.

ClinVar aggregate classification (germline): Uncertain significance (1 of 4 stars; one submission).

Conditions:
Hereditary cancer-predisposing syndrome. Also called: Hereditary Cancer Syndrome; Hereditary neoplastic syndrome; Neoplastic Syndromes, Hereditary; Tumor predisposition. Identifiers: Orphanet 140162, MedGen C0027672, MeSH D009386, MONDO:0015356.

Submission:

Ambry Genetics
Classification: Uncertain significance for Hereditary cancer-predisposing syndrome. Last evaluated: 2024-11-12. Review status: criteria provided, single submitter. Criteria: Ambry Variant Classification Scheme 2023. Collection method: clinical testing. Allele origin: germline.
Comment: The p.V190D variant (also known as c.569T>A), located in coding exon 3 of the XRCC2 gene, results from a T to A substitution at nucleotide position 569. The valine at codon 190 is replaced by aspartic acid, an amino acid with highly dissimilar properties. This amino acid position is conserved. In addition, the in silico prediction for this alteration is inconclusive. Since supporting evidence is limited at this time, the clinical significance of this alteration remains unclear.